The following is an entry in ClinVar:

ClinVar aggregate classification (germline): Uncertain significance. Review status: criteria provided, multiple submitters, no conflicts (2 of 4 stars). 4 submissions from 4 submitters: Uncertain significance (4). Last evaluated 2026-08-06.

Conditions:
Paroxysmal nocturnal hemoglobinuria 2 (PNH2). Identifiers: Orphanet 447, MedGen C3809369, MONDO:0014166, OMIM 615399.
Inborn genetic diseases. Identifiers: MedGen C0950123, MeSH D030342.
Multiple congenital anomalies-hypotonia-seizures syndrome 3 (MCAHS3). Also called: GLYCOSYLPHOSPHATIDYLINOSITOL BIOSYNTHESIS DEFECT 7. Identifiers: Orphanet 369837, MedGen C3809356, MONDO:0014165, OMIM 615398.

Allele frequency attached by ClinVar (database versions not stated): ExAC 0.00002; gnomAD 0.00004; gnomAD exomes 0.00007.
gnomAD v4.1: 114 of 1,613,514 alleles (0.0071%); highest among the groups gnomAD compares: East Asian, 0.038%; no homozygotes.

Submissions (4):

OLLIN Analises Genomicas, OLLIN
Classification: Uncertain significance for Paroxysmal nocturnal hemoglobinuria 2. Last evaluated: 2026-08-06. Review status: criteria provided, single submitter. Criteria: ACMG Guidelines 2015 PMID 25741868. Collection method: clinical testing. Allele origin: germline. Inheritance: Autosomal dominant inheritance.
Comment: This missense variant, located in exon 8 (of 12), has been reported in ClinVar (accession VCV003212840.3) and in gnomAD with an allele frequency of 0.00707%. However, to our knowledge, it has not been reported in the scientific literature. In silico analysis predicts that this variant has a tolerated effect. According to the currently available evidence, this variant has been classified as uncertain significance (PM2_P, BP4_M).

Labcorp Genetics (formerly Invitae), Labcorp
Classification: Uncertain significance for Multiple congenital anomalies-hypotonia-seizures syndrome 3. Last evaluated: 2025-10-22. Review status: criteria provided, single submitter. Criteria: Invitae Variant Classification Sherloc (09022015). Collection method: clinical testing. Allele origin: germline.
Comment: This sequence change replaces valine, which is neutral and non-polar, with isoleucine, which is neutral and non-polar, at codon 307 of the PIGT protein (p.Val307Ile). The frequency data for this variant in the population databases is considered unreliable, as metrics indicate poor data quality at this position in the gnomAD database. This variant has not been reported in the literature in individuals affected with PIGT-related conditions. ClinVar contains an entry for this variant (Variation ID: 3212840). Invitae Evidence Modeling of protein sequence and biophysical properties (such as structural, functional, and spatial information, amino acid conservation, physicochemical variation, residue mobility, and thermodynamic stability) indicates that this missense variant is not expected to disrupt PIGT protein function with a negative predictive value of 95%. In summary, the available evidence is currently insufficient to determine the role of this variant in disease. Therefore, it has been classified as a Variant of Uncertain Significance.

Ambry Genetics
Classification: Uncertain significance for Inborn genetic diseases. Last evaluated: 2023-12-27. Review status: criteria provided, single submitter. Criteria: Ambry Variant Classification Scheme 2023. Collection method: clinical testing. Allele origin: germline.

GeneDx
Classification: Uncertain significance. Last evaluated: 2023-05-04. Review status: criteria provided, single submitter. Criteria: GeneDx Variant Classification Process June 2021. Collection method: clinical testing. Allele origin: germline. Affected: yes.
Comment: Not observed at significant frequency in large population cohorts (gnomAD); In silico analysis supports that this missense variant does not alter protein structure/function; Has not been previously published as pathogenic or benign to our knowledge

NM_015937.6(PIGT):c.919G>A (p.Val307Ile)

Gene: PIGT (phosphatidylinositol glycan anchor biosynthesis class T; plus strand). Cytogenetic location: 20q13.12.
Variant type: single nucleotide variant.
Coding change: c.919G>A on transcript NM_015937.6 (MANE Select); coding-DNA position 919, G replaced by A.
Protein change: p.Val307Ile; replaces valine 307 with isoleucine.
Molecular consequence: missense variant. On other transcripts: non-coding transcript variant (5).
Genome position (GRCh38, 1-based): chr20:45,420,579, G>A. VCF-style: chr20-45420579-G-A. GRCh37 (hg19) VCF-style: chr20-44049219-G-A.
Other names: c.751G>A, p.Val251Ile (NM_001184728.3); c.919G>A, p.Val307Ile (NM_001184729.3); c.613G>A, p.Val205Ile (NM_001184730.3); c.919G>A (NM_015937.5); short protein forms V307I, V205I, V251I.
Identifiers: ClinVar variation 3212840 (VCV003212840.4), dbSNP rs768643259, ClinGen allele CA9878107.